The following is an entry in ClinVar:

ClinVar aggregate classification (germline): Benign/Likely benign. Review status: criteria provided, multiple submitters, no conflicts (2 of 4 stars). 4 submissions from 4 submitters: Benign (1); Likely benign (3). Last evaluated 2025-06-18.

Conditions:
Hereditary cancer-predisposing syndrome. Also called: Tumor predisposition; Neoplastic Syndromes, Hereditary; Hereditary Cancer Syndrome; Hereditary neoplastic syndrome. Identifiers: Orphanet 140162, MedGen C0027672, MeSH D009386, MONDO:0015356.
Chuvash polycythemia. Also called: POLYCYTHEMIA, VHL-DEPENDENT. Identifiers: Orphanet 238557, MedGen C1837915, MONDO:0009892, OMIM 263400.
Von Hippel-Lindau syndrome (VHLS). Also called: VHL syndrome; Von Hippel-Lindau; von Hippel–Lindau syndrome. Identifiers: Orphanet 892, MedGen C0019562, MONDO:0008667, OMIM 193300. Disease mechanism: loss of function.

gnomAD v4.1: 2 of 1,602,316 alleles (0.00012%); highest among the groups gnomAD compares: Non-Finnish European, 0.000085%; no homozygotes.

Submissions (4):

Labcorp Genetics (formerly Invitae), Labcorp
Classification: Likely benign for Von Hippel-Lindau syndrome; Chuvash polycythemia. Last evaluated: 2025-06-18. Review status: criteria provided, single submitter. Criteria: Invitae Variant Classification Sherloc (09022015). Collection method: clinical testing. Allele origin: germline.

Myriad Genetics, Inc.
Classification: Benign for Von Hippel-Lindau syndrome. Last evaluated: 2025-06-10. Review status: criteria provided, single submitter. Criteria: Myriad Autosomal Dominant, Autosomal Recessive and X-Linked Classification Criteria (2023). Collection method: clinical testing. Allele origin: unknown.
Comment: This variant is considered benign. This variant is a silent/synonymous amino acid change and it is not expected to impact splicing.

All of Us Research Program, National Institutes of Health
Classification: Likely benign for Von Hippel-Lindau syndrome. Last evaluated: 2023-12-18. Review status: criteria provided, single submitter. Criteria: ACMG Guidelines, 2015. Collection method: clinical testing. Allele origin: germline. Inheritance: Autosomal dominant inheritance. Observed: 2 variant alleles, 2 heterozygotes.
Comment: This study involves interpretation of variants in research participants for the purpose of population health screening. Participant phenotype was not available at the time of variant classification. Additional details can be found in publication PMID: 35346344, PMCID: PMC8962531

Ambry Genetics
Classification: Likely benign for Hereditary cancer-predisposing syndrome. Last evaluated: 2016-04-25. Review status: criteria provided, single submitter. Criteria: Ambry Variant Classification Scheme 2023. Collection method: clinical testing. Allele origin: germline.

NM_000551.4(VHL):c.267C>T (p.Leu89=)

Gene: VHL (von Hippel-Lindau tumor suppressor; plus strand). Cytogenetic location: 3p25.3.
Variant type: single nucleotide variant.
Coding change: c.267C>T on transcript NM_000551.4 (MANE Select); coding-DNA position 267, C replaced by T.
Protein change: p.Leu89=; no amino-acid change (leucine 89 retained).
Molecular consequence: synonymous variant.
Genome position (GRCh38, 1-based): chr3:10,142,114, C>T. VCF-style: chr3-10142114-C-T. GRCh37 (hg19) VCF-style: chr3-10183798-C-T.
Other names: c.267C>T, p.Leu89= (NM_001354723.2, NM_198156.3).
Identifiers: ClinVar variation 486709 (VCV000486709.18), dbSNP rs755794553, ClinGen allele CA432420493.